The following is an entry in ClinVar:

ClinVar aggregate classification (germline): Uncertain significance (1 of 4 stars; one submission).

gnomAD v4.1: 1 of 1,613,996 alleles (0.000062%); highest among the groups gnomAD compares: Non-Finnish European, 0.000085%; no homozygotes.

Submission:

GeneDx
Classification: Uncertain significance. Last evaluated: 2024-12-21. Review status: criteria provided, single submitter. Criteria: GeneDx Variant Classification Process June 2021. Collection method: clinical testing. Allele origin: germline. Affected: yes.
Comment: Not observed at significant frequency in large population cohorts (gnomAD); In silico analysis supports that this missense variant has a deleterious effect on protein structure/function; Has not been previously published as pathogenic or benign to our knowledge

NM_006885.4(ZFHX3):c.10718C>G (p.Pro3573Arg)

Genes: ZFHX3 (zinc finger homeobox 3; minus strand), ZFHX3-AS1 (ZFHX3 antisense RNA 1; plus strand). Cytogenetic location: 16q22.2.
Variant type: single nucleotide variant.
Coding change: c.10718C>G on transcript NM_006885.4 (MANE Select); coding-DNA position 10718, C replaced by G.
Protein change: p.Pro3573Arg; replaces proline 3573 with arginine.
Molecular consequence: missense variant. On other transcripts: non-coding transcript variant (1).
Genome position (GRCh38, 1-based): chr16:72,787,558, G>C on the plus strand (C>G on the coding strand, the complement: ZFHX3 is on the minus strand). VCF-style: chr16-72787558-G-C. GRCh37 (hg19) VCF-style: chr16-72821457-G-C.
Other names: c.7976C>G, p.Pro2659Arg (NM_001164766.2); c.10718C>G, p.Pro3573Arg (NM_001386735.1); short protein forms P2659R, P3573R.
Identifiers: ClinVar variation 3907862 (VCV003907862.1).